The following is an entry in ClinVar:

NM_000744.7(CHRNA4):c.384-211T>G

Gene: CHRNA4 (cholinergic receptor nicotinic alpha 4 subunit; minus strand). Cytogenetic location: 20q13.33.
Variant type: single nucleotide variant.
Coding change: c.384-211T>G on transcript NM_000744.7 (MANE Select); 211 bases into the intron before coding-DNA position 384, T replaced by G.
Molecular consequence: intron variant.
Genome position (GRCh38, 1-based): chr20:63,351,238, A>C on the plus strand (T>G on the coding strand, the complement: CHRNA4 is on the minus strand). VCF-style: chr20-63351238-A-C. GRCh37 (hg19) VCF-style: chr20-61982590-A-C.
Other names: c.-145-211T>G (NM_001256573.2).
Identifiers: ClinVar variation 672457 (VCV000672457.1), dbSNP rs866354873, ClinGen allele CA317437038.

ClinVar aggregate classification (germline): Benign (1 of 4 stars; one submission).

Allele frequency attached by ClinVar (database versions not stated): gnomAD exomes 0.07178; gnomAD 0.15974 and 0.16657.
gnomAD v4.1: 30,987 of 373,844 alleles (8.3%); highest among the groups gnomAD compares: South Asian, 11%; 1,632 homozygotes.

Submission:

GeneDx
Classification: Benign. Last evaluated: 2018-06-14. Review status: criteria provided, single submitter. Criteria: GeneDx Variant Classification (06012015). Collection method: clinical testing. Allele origin: germline. Affected: yes.
Comment: This variant is considered likely benign or benign based on one or more of the following criteria: it is a conservative change, it occurs at a poorly conserved position in the protein, it is predicted to be benign by multiple in silico algorithms, and/or has population frequency not consistent with disease.